The following is an entry in ClinVar:

NM_005428.4(VAV1):c.1381G>C (p.Asp461His)

Gene: VAV1 (vav guanine nucleotide exchange factor 1; plus strand). Cytogenetic location: 19p13.3.
Variant type: single nucleotide variant.
Coding change: c.1381G>C on transcript NM_005428.4 (MANE Select); coding-DNA position 1381, G replaced by C.
Protein change: p.Asp461His; replaces aspartic acid 461 with histidine.
Molecular consequence: missense variant.
Genome position (GRCh38, 1-based): chr19:6,829,901, G>C. VCF-style: chr19-6829901-G-C. GRCh37 (hg19) VCF-style: chr19-6829912-G-C.
Other names: c.1381G>C, p.Asp461His (NM_001258206.2); c.1285G>C, p.Asp429His (NM_001258207.2); short protein forms D429H, D461H.
Identifiers: ClinVar variation 1484178 (VCV001484178.6), dbSNP rs1160296531, ClinGen allele CA403624713.
Genomic context (GRCh38, chr19:6,829,901, plus strand): 5'-TATGACCTCAAGGACTTTGTAAACCTGCACAGCTTCCAGGTTCGGGATGACTCTTCAGGA[G>C]ACCGAGACAACAAGAAGGTGGGGCTTTGACGCCGGAACTATGGGGTCCTCCACGCAGTCG-3'
Protein context (NP_005419.2, residues 451-471): SFQVRDDSSG[Asp461His]RDNKKWSHMF

ClinVar aggregate classification (germline): Uncertain significance (1 of 4 stars; one submission).

Allele frequency attached by ClinVar (database versions not stated): gnomAD exomes below 0.00001.
gnomAD v4.1: 2 of 1,614,196 alleles (0.00012%); highest among the groups gnomAD compares: South Asian, 0.0022%; no homozygotes.

Submission:

Labcorp Genetics (formerly Invitae), Labcorp
Classification: Uncertain significance. Last evaluated: 2022-06-13. Review status: criteria provided, single submitter. Criteria: Invitae Variant Classification Sherloc (09022015). Collection method: clinical testing. Allele origin: germline.
Comment: This sequence change replaces aspartic acid, which is acidic and polar, with histidine, which is basic and polar, at codon 461 of the VAV1 protein (p.Asp461His). In summary, the available evidence is currently insufficient to determine the role of this variant in disease. Therefore, it has been classified as a Variant of Uncertain Significance. Algorithms developed to predict the effect of missense changes on protein structure and function are either unavailable or do not agree on the potential impact of this missense change (SIFT: "Tolerated"; PolyPhen-2: "Possibly Damaging"; Align-GVGD: "Class C0"). This variant has not been reported in the literature in individuals affected with VAV1-related conditions. This variant is not present in population databases (gnomAD no frequency).